The following is an entry in ClinVar:

NM_015978.3(TNNI3K):c.2411A>G (p.Tyr804Cys)

Genes: FPGT-TNNI3K (FPGT-TNNI3K readthrough; plus strand), TNNI3K (TNNI3 interacting kinase; plus strand). Cytogenetic location: 1p31.1.
Variant type: single nucleotide variant.
Coding change: c.2411A>G on transcript NM_015978.3 (MANE Select); coding-DNA position 2411, A replaced by G.
Protein change: p.Tyr804Cys; replaces tyrosine 804 with cysteine.
Molecular consequence: missense variant.
Genome position (GRCh38, 1-based): chr1:74,540,293, A>G. VCF-style: chr1-74540293-A-G. GRCh37 (hg19) VCF-style: chr1-75005977-A-G.
Other names: c.2714A>G, p.Tyr905Cys (NM_001112808.3); short protein forms Y905C, Y804C.
Identifiers: ClinVar variation 3675270 (VCV003675270.2).

ClinVar aggregate classification (germline): Uncertain significance (1 of 4 stars; one submission).

Submission:

Labcorp Genetics (formerly Invitae), Labcorp
Classification: Uncertain significance. Last evaluated: 2024-09-30. Review status: criteria provided, single submitter. Criteria: Invitae Variant Classification Sherloc (09022015). Collection method: clinical testing. Allele origin: germline.
Comment: This sequence change replaces tyrosine, which is neutral and polar, with cysteine, which is neutral and slightly polar, at codon 804 of the TNNI3K protein (p.Tyr804Cys). This variant is not present in population databases (gnomAD no frequency). This missense change has been observed in individual(s) with unexplained cardiac arrest (PMID: 35352813). An algorithm developed to predict the effect of missense changes on protein structure and function (PolyPhen-2) suggests that this variant is likely to be tolerated. In summary, the available evidence is currently insufficient to determine the role of this variant in disease. Therefore, it has been classified as a Variant of Uncertain Significance.

Literature cited by the submitters: PubMed 35352813.